The following is an entry in ClinVar:

NM_000059.4(BRCA2):c.5925T>A (p.Cys1975Ter)

Gene: BRCA2 (BRCA2 DNA repair associated; plus strand). Cytogenetic location: 13q13.1.
Variant type: single nucleotide variant.
Coding change: c.5925T>A on transcript NM_000059.4 (MANE Select); coding-DNA position 5925, T replaced by A.
Protein change: p.Cys1975Ter; replaces cysteine 1975 with a stop codon.
Molecular consequence: nonsense.
Genome position (GRCh38, 1-based): chr13:32,340,280, T>A. VCF-style: chr13-32340280-T-A. GRCh37 (hg19) VCF-style: chr13-32914417-T-A.
Other names: short protein forms C1975*.
Identifiers: ClinVar variation 51964 (VCV000051964.18), dbSNP rs80358825, ClinGen allele CA023372.
Genomic context (GRCh38, chr13:32,340,280, plus strand): 5'-AGATATATGTAAATGTAGTATAGGGAAGCTTCATAAGTCAGTCTCATCTGCAAATACTTG[T>A]GGGATTTTTAGCACAGCAAGTGGAAAATCTGTCCAGGTATCAGATGCTTCATTACAAAAC-3'

ClinVar aggregate classification (germline): Pathogenic. Review status: reviewed by expert panel (3 of 4 stars). 5 submissions from 5 submitters: Pathogenic (1). 4 of the submissions do not count toward it. Last evaluated 2016-09-08.

Conditions:
BRCA2-related disorder. Also called: BRCA2-related condition; BRCA2-related disorders. Identifiers: MedGen CN239275.
Hereditary cancer-predisposing syndrome. Also called: Hereditary Cancer Syndrome; Neoplastic Syndromes, Hereditary; Hereditary neoplastic syndrome; Tumor predisposition. Identifiers: Orphanet 140162, MedGen C0027672, MeSH D009386, MONDO:0015356.
Hereditary breast ovarian cancer syndrome. Also called: Hereditary breast and ovarian cancer syndrome; Breast and ovarian cancer; BRCA1- and BRCA2-Associated Hereditary Breast and Ovarian Cancer; Hereditary breast and/or ovarian cancer syndrome; Hereditary breast and ovarian cancer; Hereditary breast and ovarian cancer syndrome (HBOC). Identifiers: Orphanet 145, MedGen C0677776, MeSH D061325, MONDO:0003582. Disease mechanism: loss of function.
Breast-ovarian cancer, familial, susceptibility to, 2 (BROVCA2). Also called: BRCA2 Hereditary Breast and Ovarian Cancer. Identifiers: Orphanet 145, MedGen C2675520, MONDO:0012933, OMIM 612555. Disease mechanism: loss of function.

Submissions (5):

Evidence-based Network for the Interpretation of Germline Mutant Alleles (ENIGMA)
Classification: Pathogenic for Breast-ovarian cancer, familial, susceptibility to, 2. Last evaluated: 2016-09-08. Review status: reviewed by expert panel. Criteria: ENIGMA BRCA1/2 Classification Criteria (2015). Collection method: curation. Allele origin: germline.
Comment: Variant allele predicted to encode a truncated non-functional protein.

Labcorp Genetics (formerly Invitae), Labcorp
Classification: Pathogenic for Hereditary breast ovarian cancer syndrome. Last evaluated: 2025-03-26. Review status: criteria provided, single submitter. Criteria: Invitae Variant Classification Sherloc (09022015). Collection method: clinical testing. Allele origin: germline. Not counted in ClinVar's aggregate classification.
Comment: This sequence change creates a premature translational stop signal (p.Cys1975*) in the BRCA2 gene. It is expected to result in an absent or disrupted protein product. Loss-of-function variants in BRCA2 are known to be pathogenic (PMID: 20104584). This variant is not present in population databases (gnomAD no frequency). This premature translational stop signal has been observed in individual(s) with breast cancer (PMID: 25186627). ClinVar contains an entry for this variant (Variation ID: 51964). For these reasons, this variant has been classified as Pathogenic.

PreventionGenetics, part of Exact Sciences
Classification: Pathogenic for BRCA2-related condition. Last evaluated: 2024-11-10. Review status: criteria provided, single submitter. Criteria: ACMG Guidelines, 2015. Collection method: clinical testing. Allele origin: germline. Not counted in ClinVar's aggregate classification.
Comment: The BRCA2 c.5925T>A variant is predicted to result in premature protein termination (p.Cys1975*). This variant has been reported in an individual with breast cancer (Tung et al. 2015. PubMed ID: 25186627; Table S10, Zouk et al. 2019. PubMed ID: 31447099). This variant has not been reported in a large population database (gnomAD), indicating this variant is rare. Nonsense variants in BRCA2 are expected to be pathogenic. This variant is interpreted as pathogenic.

Ambry Genetics
Classification: Pathogenic for Hereditary cancer-predisposing syndrome. Last evaluated: 2021-08-11. Review status: criteria provided, single submitter. Criteria: Ambry Variant Classification Scheme 2023. Collection method: clinical testing. Allele origin: germline. Not counted in ClinVar's aggregate classification.
Comment: The p.C1975* pathogenic mutation (also known as c.5925T>A), located in coding exon 10 of the BRCA2 gene, results from a T to A substitution at nucleotide position 5925. This changes the amino acid from a cysteine to a stop codon within coding exon 10. This variant is considered to be rare based on population cohorts in the Genome Aggregation Database (gnomAD). In addition to the clinical data presented in the literature, this alteration is expected to result in loss of function by premature protein truncation or nonsense-mediated mRNA decay. As such, this alteration is interpreted as a disease-causing mutation.

Breast Cancer Information Core (BIC) (BRCA2)
Classification: Pathogenic for Breast-ovarian cancer, familial 2. Review status: no assertion criteria provided. Collection method: clinical testing. Allele origin: germline. Affected: yes. Observed: 1 variant allele. Not counted in ClinVar's aggregate classification.

Literature cited by the submitters: PubMed 20104584 (cited by Labcorp Genetics (formerly Invitae), Labcorp); PubMed 25186627 (cited by Labcorp Genetics (formerly Invitae), Labcorp and Ambry Genetics).